The following is an entry in ClinVar:

ClinVar aggregate classification (germline): Uncertain significance (1 of 4 stars; one submission).

Conditions:
Emery-Dreifuss muscular dystrophy 5, autosomal dominant (EDMD5). Also called: EMERY-DREIFUSS MUSCULAR DYSTROPHY 5. Identifiers: Orphanet 261, MedGen C2751805, MONDO:0013072, OMIM 612999.

Submission:

Labcorp Genetics (formerly Invitae), Labcorp
Classification: Uncertain significance for Emery-Dreifuss muscular dystrophy 5, autosomal dominant. Last evaluated: 2020-11-23. Review status: criteria provided, single submitter. Criteria: Invitae Variant Classification Sherloc (09022015). Collection method: clinical testing. Allele origin: germline.
Comment: This variant is not present in population databases (ExAC no frequency). In summary, the available evidence is currently insufficient to determine the role of this variant in disease. Therefore, it has been classified as a Variant of Uncertain Significance. This variant has not been reported in the literature in individuals with SYNE2-related conditions. This sequence change creates a premature translational stop signal (p.Glu3622*) in the SYNE2 gene. It is expected to result in an absent or disrupted protein product. However, the current clinical and genetic evidence is not sufficient to establish whether loss-of-function variants in SYNE2 cause disease.

NM_182914.3(SYNE2):c.10864G>T (p.Glu3622Ter)

Gene: SYNE2 (spectrin repeat containing nuclear envelope protein 2; plus strand). Cytogenetic location: 14q23.2.
Variant type: single nucleotide variant.
Coding change: c.10864G>T on transcript NM_182914.3 (MANE Select); coding-DNA position 10864, G replaced by T.
Protein change: p.Glu3622Ter; replaces glutamic acid 3622 with a stop codon.
Molecular consequence: nonsense.
Genome position (GRCh38, 1-based): chr14:64,074,134, G>T. VCF-style: chr14-64074134-G-T. GRCh37 (hg19) VCF-style: chr14-64540852-G-T.
Other names: c.10864G>T, p.Glu3622Ter (NM_015180.6); short protein forms E3622*.
Identifiers: ClinVar variation 1350227 (VCV001350227.6), dbSNP rs374132878, ClinGen allele CA389937997.